The following is an entry in ClinVar:

NM_001206927.2(DNAH8):c.7096G>A (p.Gly2366Arg)

Gene: DNAH8 (dynein axonemal heavy chain 8; plus strand). Cytogenetic location: 6p21.2.
Variant type: single nucleotide variant.
Coding change: c.7096G>A on transcript NM_001206927.2 (MANE Select); coding-DNA position 7096, G replaced by A.
Protein change: p.Gly2366Arg; replaces glycine 2366 with arginine.
Molecular consequence: missense variant.
Genome position (GRCh38, 1-based): chr6:38,872,641, G>A. VCF-style: chr6-38872641-G-A. GRCh37 (hg19) VCF-style: chr6-38840417-G-A.
Other names: c.6445G>A, p.Gly2149Arg (NM_001371.4); short protein forms G2149R, G2366R.
Identifiers: ClinVar variation 2141249 (VCV002141249.4), dbSNP rs549318995, ClinGen allele CA3789834.

ClinVar aggregate classification (germline): Uncertain significance (1 of 4 stars; one submission).

Conditions:
Primary ciliary dyskinesia. Also called: Ciliary dyskinesia. Identifiers: Orphanet 244, MedGen C0008780, MONDO:0016575, HP:0012265.

Allele frequency attached by ClinVar (database versions not stated): ExAC 0.00002; 1000 Genomes Project 30x 0.00031; 1000 Genomes Project 0.00040.
gnomAD v4.1: 9 of 1,614,100 alleles (0.00056%); highest among the groups gnomAD compares: East Asian, 0.0045%; no homozygotes.

Submission:

Labcorp Genetics (formerly Invitae), Labcorp
Classification: Uncertain significance for Primary ciliary dyskinesia. Last evaluated: 2022-09-27. Review status: criteria provided, single submitter. Criteria: Invitae Variant Classification Sherloc (09022015). Collection method: clinical testing. Allele origin: germline.
Comment: In summary, the available evidence is currently insufficient to determine the role of this variant in disease. Therefore, it has been classified as a Variant of Uncertain Significance. Advanced modeling of protein sequence and biophysical properties (such as structural, functional, and spatial information, amino acid conservation, physicochemical variation, residue mobility, and thermodynamic stability) performed at Invitae indicates that this missense variant is expected to disrupt DNAH8 protein function. This variant has not been reported in the literature in individuals affected with DNAH8-related conditions. This variant is present in population databases (rs549318995, gnomAD 0.006%). This sequence change replaces glycine, which is neutral and non-polar, with arginine, which is basic and polar, at codon 2366 of the DNAH8 protein (p.Gly2366Arg).